The following is an entry in ClinVar:

ClinVar aggregate classification (germline): Benign (1 of 4 stars; one submission).

Allele frequency attached by ClinVar (database versions not stated): 1000 Genomes Project 0.12540; 1000 Genomes Project 30x 0.12851; gnomAD 0.14157 and 0.14318; TOPMed 0.15183.
gnomAD v4.1: 21,528 of 152,060 alleles (14%); highest among the groups gnomAD compares: Admixed American, 27%; 1,718 homozygotes.

Submission:

GeneDx
Classification: Benign. Last evaluated: 2018-06-17. Review status: criteria provided, single submitter. Criteria: GeneDx Variant Classification (06012015). Collection method: clinical testing. Allele origin: germline. Affected: yes.
Comment: This variant is considered likely benign or benign based on one or more of the following criteria: it is a conservative change, it occurs at a poorly conserved position in the protein, it is predicted to be benign by multiple in silico algorithms, and/or has population frequency not consistent with disease.

NM_000112.4(SLC26A2):c.700-231G>C

Gene: SLC26A2 (solute carrier family 26 member 2; plus strand). Cytogenetic location: 5q32.
Variant type: single nucleotide variant.
Coding change: c.700-231G>C on transcript NM_000112.4 (MANE Select); 231 bases into the intron before coding-DNA position 700, G replaced by C.
Molecular consequence: intron variant.
Genome position (GRCh38, 1-based): chr5:149,980,062, G>C. VCF-style: chr5-149980062-G-C. GRCh37 (hg19) VCF-style: chr5-149359625-G-C.
Identifiers: ClinVar variation 671461 (VCV000671461.1), dbSNP rs6860282, ClinGen allele CA11947626.
Genomic context (GRCh38, chr5:149,980,062, plus strand): 5'-GAGGTATGAACCTTATTCAAGTTTAAGAAACGTATGAAAAGAAAGAAATCCAAAGTTCCT[G>C]TCTCACCTGGGTTAATAAGTAACAGTGTGACCTTGGGCAAGTTGCTTAGCCCTTTAAACA-3'